The following is an entry in ClinVar:

ClinVar aggregate classification (germline): Likely pathogenic (1 of 4 stars; one submission).

Allele frequency attached by ClinVar (database versions not stated): TOPMed below 0.00001.

Submission:

GeneDx
Classification: Likely pathogenic. Last evaluated: 2016-02-20. Review status: criteria provided, single submitter. Criteria: GeneDx Variant Classification (06012015). Collection method: clinical testing. Allele origin: germline. Affected: yes.
Comment: The c.20858delT pathogenic variant in the NEB gene has been not been reported previously as a pathogenic variant nor as a benign variant, to our knowledge. The c.20858delT variant causes a frameshift starting with codon Isoleucine 6953, changes this amino acid to a Threonine residue, and creates a premature Stop codon at position 29 of the new reading frame, denoted p.Ile6953ThrfsX29. This variant is predicted to cause loss of normal protein function either through protein truncation or nonsense-mediated mRNA decay. The c.20858delT variant was not observed in approximately 6,500 individuals of European and African American ancestry in the NHLBI Exome Sequencing Project, indicating it is not a common benign variant in these populations. We interpret c.20858delT as a likely pathogenic variant; however, the possibility it may be a rare benign variant cannot be excluded.

NM_001164508.2(NEB):c.20858del (p.Ile6953fs)

Gene: NEB (nebulin; minus strand). Cytogenetic location: 2q23.3.
Variant type: Deletion.
Coding change: c.20858del on transcript NM_001164508.2 (MANE Select); coding-DNA position 20858, one base deleted (T; older notation c.20858delT).
Protein change: p.Ile6953fs; shifts the reading frame from isoleucine 6953.
Molecular consequence: frameshift variant.
Genome position (GRCh38, 1-based): chr2:151,540,378, A deleted on the plus strand (T on the coding strand, the reverse complement: NEB is on the minus strand). VCF-style (leftmost placement, unchanged base first): chr2-151540377-GA-G. GRCh37 (hg19) VCF-style: chr2-152396891-GA-G.
Other names: c.20858del, p.Ile6953fs (NM_001164507.2, NM_001271208.2); c.15755del, p.Ile5252fs (NM_004543.5); short protein forms I6953fs, I5252fs.
Identifiers: ClinVar variation 420412 (VCV000420412.2), dbSNP rs1064794461, ClinGen allele CA16617241.